The following is an entry in ClinVar:

NM_058004.4(PI4KA):c.3868C>G (p.Pro1290Ala)

Gene: PI4KA (phosphatidylinositol 4-kinase alpha; minus strand). Cytogenetic location: 22q11.21.
Variant type: single nucleotide variant.
Coding change: c.3868C>G on transcript NM_058004.4 (MANE Select); coding-DNA position 3868, C replaced by G.
Protein change: p.Pro1290Ala; replaces proline 1290 with alanine.
Molecular consequence: missense variant.
Genome position (GRCh38, 1-based): chr22:20,734,427, G>C on the plus strand (C>G on the coding strand, the complement: PI4KA is on the minus strand). VCF-style: chr22-20734427-G-C. GRCh37 (hg19) VCF-style: chr22-21088715-G-C.
Other names: c.3775C>G, p.Pro1259Ala (NM_001362862.2); c.3802C>G, p.Pro1268Ala (NM_001362863.2); short protein forms P1259A, P1268A, P1290A.
Identifiers: ClinVar variation 3359037 (VCV003359037.3).

ClinVar aggregate classification (germline): Uncertain significance (1 of 4 stars; one submission).

Conditions:
Polymicrogyria, perisylvian, with cerebellar hypoplasia and arthrogryposis (NEDSPLB). Identifiers: MedGen C4225295, MONDO:0014679, OMIM 616531.

Submission:

Institute of Human Genetics, University of Leipzig Medical Center
Classification: Uncertain significance for Polymicrogyria, perisylvian, with cerebellar hypoplasia and arthrogryposis. Last evaluated: 2026-03-24. Review status: criteria provided, single submitter. Criteria: ACMG Guidelines, 2015. Collection method: clinical testing. Allele origin: maternal. Inheritance: Autosomal recessive inheritance. Affected: yes.
Comment: Criteria applied: PM2,PM3,PP2; Identified as compund heterozygous with NM_058004.4:c.3976C>T